The following is an entry in ClinVar:

NM_006929.5(SKIC2):c.2089dup (p.Tyr697fs)

Gene: SKIC2 (SKI2 subunit of superkiller complex; plus strand). Cytogenetic location: 6p21.33.
Variant type: Duplication.
Coding change: c.2089dup on transcript NM_006929.5 (MANE Select); coding-DNA position 2089, one base duplicated (T; older notation c.2089dupT).
Protein change: p.Tyr697fs; shifts the reading frame from tyrosine 697.
Molecular consequence: frameshift variant.
Genome position (GRCh38, 1-based): chr6:31,965,900, T duplicated. VCF-style (leftmost placement, unchanged base first): chr6-31965899-G-GT. GRCh37 (hg19) VCF-style: chr6-31933676-G-GT.
Other names: short protein forms Y697fs.
Identifiers: ClinVar variation 2859200 (VCV002859200.3), dbSNP rs2482963880, ClinGen allele CA2739272882.
Genomic context (GRCh38, chr6:31,965,899, plus strand): 5'-AGTGTTTGACTCCATGCGCAAACACGATGGCTCCACCTTCCGGGACCTGCTCCCTGGGGA[G>GT]TATGTGCAGATGGCAGGCCGGGCAGGGCGGAGGGGCCTGGACCCCACAGGCACCGTTATC-3'

ClinVar aggregate classification (germline): Pathogenic (1 of 4 stars; one submission).

Submission:

Labcorp Genetics (formerly Invitae), Labcorp
Classification: Pathogenic. Last evaluated: 2023-06-26. Review status: criteria provided, single submitter. Criteria: Invitae Variant Classification Sherloc (09022015). Collection method: clinical testing. Allele origin: germline.
Comment: For these reasons, this variant has been classified as Pathogenic. This variant has not been reported in the literature in individuals affected with SKIV2L-related conditions. This variant is not present in population databases (gnomAD no frequency). This sequence change creates a premature translational stop signal (p.Tyr697Leufs*76) in the SKIV2L gene. It is expected to result in an absent or disrupted protein product. Loss-of-function variants in SKIV2L are known to be pathogenic (PMID: 22444670).

Literature cited by the submitters: PubMed 22444670.